The following is an entry in ClinVar:

NM_001127222.2(CACNA1A):c.6229G>T (p.Asp2077Tyr)

Gene: CACNA1A (calcium voltage-gated channel subunit alpha1 A; minus strand). Cytogenetic location: 19p13.13.
Variant type: single nucleotide variant.
Coding change: c.6229G>T on transcript NM_001127222.2 (MANE Select); coding-DNA position 6229, G replaced by T.
Protein change: p.Asp2077Tyr; replaces aspartic acid 2077 with tyrosine.
Molecular consequence: missense variant.
Genome position (GRCh38, 1-based): chr19:13,212,177, C>A on the plus strand (G>T on the coding strand, the complement: CACNA1A is on the minus strand). VCF-style: chr19-13212177-C-A. GRCh37 (hg19) VCF-style: chr19-13322991-C-A.
Other names: c.6247G>T, p.Asp2083Tyr (NM_000068.4, NM_023035.3); c.6232G>T, p.Asp2078Tyr (NM_001127221.2); c.6238G>T, p.Asp2080Tyr (NM_001174080.2); short protein forms D2077Y, D2078Y, D2080Y, D2083Y.
Identifiers: ClinVar variation 3363438 (VCV003363438.1).

ClinVar aggregate classification (germline): Uncertain significance (1 of 4 stars; one submission).

gnomAD v4.1: 1 of 1,613,888 alleles (0.000062%); no homozygotes.

Submission:

GeneDx
Classification: Uncertain significance. Last evaluated: 2023-10-26. Review status: criteria provided, single submitter. Criteria: GeneDx Variant Classification Process June 2021. Collection method: clinical testing. Allele origin: germline. Affected: yes.
Comment: Not observed at significant frequency in large population cohorts (gnomAD); In silico analysis supports that this missense variant has a deleterious effect on protein structure/function; Has not been previously published as pathogenic or benign to our knowledge